The following is an entry in ClinVar:

NM_198578.4(LRRK2):c.642T>G (p.Asn214Lys)

Gene: LRRK2 (leucine rich repeat kinase 2; plus strand). Cytogenetic location: 12q12.
Variant type: single nucleotide variant.
Coding change: c.642T>G on transcript NM_198578.4 (MANE Select); coding-DNA position 642, T replaced by G.
Protein change: p.Asn214Lys; replaces asparagine 214 with lysine.
Molecular consequence: missense variant.
Genome position (GRCh38, 1-based): chr12:40,240,553, T>G. VCF-style: chr12-40240553-T-G. GRCh37 (hg19) VCF-style: chr12-40634355-T-G.
Other names: short protein forms N214K.
Identifiers: ClinVar variation 1753496 (VCV001753496.2), dbSNP rs754547635, ClinGen allele CA6513150.

ClinVar aggregate classification (germline): Uncertain significance (1 of 4 stars; one submission).

Conditions:
Inborn genetic diseases. Identifiers: MedGen C0950123, MeSH D030342.

Allele frequency attached by ClinVar (database versions not stated): gnomAD exomes below 0.00001; ExAC 0.00001.
gnomAD v4.1: 1 of 1,613,302 alleles (0.000062%); highest among the groups gnomAD compares: South Asian, 0.0011%; no homozygotes.

Submission:

Ambry Genetics
Classification: Uncertain significance for Inborn genetic diseases. Last evaluated: 2022-05-26. Review status: criteria provided, single submitter. Criteria: Ambry Variant Classification Scheme 2023. Collection method: clinical testing. Allele origin: germline.
Comment: The p.N214K variant (also known as c.642T>G), located in coding exon 6 of the LRRK2 gene, results from a T to G substitution at nucleotide position 642. The asparagine at codon 214 is replaced by lysine, an amino acid with similar properties. This amino acid position is conserved. In addition, this alteration is predicted to be tolerated by in silico analysis. Since supporting evidence is limited at this time, the clinical significance of this alteration remains unclear.